The following is an entry in ClinVar:

NM_173076.3(ABCA12):c.179G>A (p.Arg60Gln)

Gene: ABCA12 (ATP binding cassette subfamily A member 12; minus strand). Cytogenetic location: 2q35.
Variant type: single nucleotide variant.
Coding change: c.179G>A on transcript NM_173076.3 (MANE Select); coding-DNA position 179, G replaced by A.
Protein change: p.Arg60Gln; replaces arginine 60 with glutamine.
Molecular consequence: missense variant. On other transcripts: non-coding transcript variant (1).
Genome position (GRCh38, 1-based): chr2:215,064,204, C>T on the plus strand (G>A on the coding strand, the complement: ABCA12 is on the minus strand). VCF-style: chr2-215064204-C-T. GRCh37 (hg19) VCF-style: chr2-215928927-C-T.
Other names: short protein forms R60Q.
Identifiers: ClinVar variation 2885168 (VCV002885168.3), dbSNP rs762065937, ClinGen allele CA2092625.

ClinVar aggregate classification (germline): Likely pathogenic (1 of 4 stars; one submission).

Allele frequency attached by ClinVar (database versions not stated): ExAC 0.00003.
gnomAD v4.1: 26 of 1,612,264 alleles (0.0016%); highest among the groups gnomAD compares: African/African-American, 0.0067%; no homozygotes.

Submission:

Labcorp Genetics (formerly Invitae), Labcorp
Classification: Likely pathogenic. Last evaluated: 2024-02-01. Review status: criteria provided, single submitter. Criteria: Invitae Variant Classification Sherloc (09022015). Collection method: clinical testing. Allele origin: germline.
Comment: This sequence change replaces arginine, which is basic and polar, with glutamine, which is neutral and polar, at codon 60 of the ABCA12 protein (p.Arg60Gln). This variant is present in population databases (rs762065937, gnomAD 0.004%). This variant has not been reported in the literature in individuals affected with ABCA12-related conditions. Advanced modeling of protein sequence and biophysical properties (such as structural, functional, and spatial information, amino acid conservation, physicochemical variation, residue mobility, and thermodynamic stability) performed at Invitae indicates that this missense variant is expected to disrupt ABCA12 protein function with a positive predictive value of 95%. This variant disrupts the p.Arg60 amino acid residue in ABCA12. Other variant(s) that disrupt this residue have been determined to be pathogenic (PMID: 22992804, 36980989). This suggests that this residue is clinically significant, and that variants that disrupt this residue are likely to be disease-causing. In summary, the currently available evidence indicates that the variant is pathogenic, but additional data are needed to prove that conclusively. Therefore, this variant has been classified as Likely Pathogenic.

Literature cited by the submitters: PubMed 22992804; PubMed 36980989.